The following is an entry in ClinVar:

ClinVar aggregate classification (germline): Likely benign. Review status: reviewed by expert panel (3 of 4 stars). 12 submissions from 12 submitters: Likely benign (1). 11 of the submissions do not count toward it. Last evaluated 2017-06-29.

Conditions:
BRCA2-related disorder. Also called: BRCA2-related condition; BRCA2-related disorders. Identifiers: MedGen CN239275.
Hereditary cancer-predisposing syndrome. Also called: Neoplastic Syndromes, Hereditary; Tumor predisposition; Hereditary neoplastic syndrome; Hereditary Cancer Syndrome. Identifiers: Orphanet 140162, MedGen C0027672, MeSH D009386, MONDO:0015356.
Hereditary breast ovarian cancer syndrome. Also called: Hereditary breast and/or ovarian cancer syndrome; Hereditary breast and ovarian cancer syndrome; Hereditary breast and ovarian cancer; Hereditary breast and ovarian cancer syndrome (HBOC); Breast and ovarian cancer; BRCA1- and BRCA2-Associated Hereditary Breast and Ovarian Cancer. Identifiers: Orphanet 145, MedGen C0677776, MeSH D061325, MONDO:0003582. Disease mechanism: loss of function.
Breast-ovarian cancer, familial, susceptibility to, 2 (BROVCA2). Also called: BRCA2 Hereditary Breast and Ovarian Cancer. Identifiers: Orphanet 145, MedGen C2675520, MONDO:0012933, OMIM 612555. Disease mechanism: loss of function.

Allele frequency attached by ClinVar (database versions not stated): TOPMed below 0.00001; gnomAD 0.00001 and 0.00002; ExAC 0.00002; gnomAD exomes 0.00004; 1000 Genomes Project 30x 0.00031; 1000 Genomes Project 0.00040.
gnomAD v4.1: 21 of 1,613,994 alleles (0.0013%); highest among the groups gnomAD compares: East Asian, 0.045%; no homozygotes.

Submissions (12):

Evidence-based Network for the Interpretation of Germline Mutant Alleles (ENIGMA)
Classification: Likely benign for Breast-ovarian cancer, familial, susceptibility to, 2. Last evaluated: 2017-06-29. Review status: reviewed by expert panel. Criteria: ENIGMA BRCA1/2 Classification Criteria (2017-06-29). Collection method: curation. Allele origin: germline.
Comment: Synonymous substitution variant, with low bioinformatic likelihood to result in a splicing aberration (Splicing prior probability 0.02).

PreventionGenetics, part of Exact Sciences
Classification: Likely benign for BRCA2-related condition. Last evaluated: 2026-05-08. Review status: criteria provided, single submitter. Criteria: ACMG Guidelines, 2015. Collection method: clinical testing. Allele origin: germline. Not counted in ClinVar's aggregate classification.
Comment: This variant is classified as likely benign based on ACMG/AMP sequence variant interpretation guidelines (Richards et al. 2015 PMID: 25741868, with internal and published modifications).

Labcorp Genetics (formerly Invitae), Labcorp
Classification: Likely benign for Hereditary breast ovarian cancer syndrome. Last evaluated: 2026-01-25. Review status: criteria provided, single submitter. Criteria: Invitae Variant Classification Sherloc (09022015). Collection method: clinical testing. Allele origin: germline. Not counted in ClinVar's aggregate classification.

Center for Genomic Medicine, Rigshospitalet, Copenhagen University Hospital
Classification: Likely benign. Last evaluated: 2025-03-04. Review status: criteria provided, single submitter. Criteria: ACMG Guidelines, 2015. Collection method: clinical testing. Allele origin: germline. Not counted in ClinVar's aggregate classification.

All of Us Research Program, National Institutes of Health
Classification: Likely benign for Breast-ovarian cancer, familial, susceptibility to, 2. Last evaluated: 2023-10-06. Review status: criteria provided, single submitter. Criteria: ACMG Guidelines, 2015. Collection method: clinical testing. Allele origin: germline. Inheritance: Autosomal dominant inheritance. Observed: 2 variant alleles, 2 heterozygotes. Not counted in ClinVar's aggregate classification.
Comment: This study involves interpretation of variants in research participants for the purpose of population health screening. Participant phenotype was not available at the time of variant classification. Additional details can be found in publication PMID: 35346344, PMCID: PMC8962531

Sema4
Classification: Likely benign for Hereditary cancer-predisposing syndrome. Last evaluated: 2020-10-15. Review status: criteria provided, single submitter. Criteria: Sema4 Curation Guidelines. Collection method: curation. Allele origin: germline. Not counted in ClinVar's aggregate classification.

Quest Diagnostics Nichols Institute San Juan Capistrano
Classification: Benign. Last evaluated: 2019-12-04. Review status: criteria provided, single submitter. Criteria: Quest Diagnostics criteria. Collection method: clinical testing. Allele origin: unknown. Not counted in ClinVar's aggregate classification.

Women's Health and Genetics/Laboratory Corporation of America, LabCorp
Classification: Likely benign. Last evaluated: 2019-08-21. Review status: criteria provided, single submitter. Criteria: LabCorp Variant Classification Summary - May 2015. Collection method: clinical testing. Allele origin: germline. Not counted in ClinVar's aggregate classification.

GeneDx
Classification: Likely benign. Last evaluated: 2017-05-08. Review status: criteria provided, single submitter. Criteria: GeneDx Variant Classification (06012015). Collection method: clinical testing. Allele origin: germline. Affected: yes. Not counted in ClinVar's aggregate classification.
Comment: This variant is considered likely benign or benign based on one or more of the following criteria: it is a conservative change, it occurs at a poorly conserved position in the protein, it is predicted to be benign by multiple in silico algorithms, and/or has population frequency not consistent with disease.

Color Diagnostics, LLC DBA Color Health
Classification: Likely benign for Hereditary cancer-predisposing syndrome. Last evaluated: 2017-01-12. Review status: criteria provided, single submitter. Criteria: ACMG Guidelines, 2015. Collection method: clinical testing. Allele origin: germline. Not counted in ClinVar's aggregate classification.

Ambry Genetics
Classification: Likely benign for Hereditary cancer-predisposing syndrome. Last evaluated: 2014-08-14. Review status: criteria provided, single submitter. Criteria: Ambry Variant Classification Scheme 2023. Collection method: clinical testing. Allele origin: germline. Not counted in ClinVar's aggregate classification.

Counsyl
Classification: Likely benign for Breast-ovarian cancer, familial, susceptibility to, 2. Last evaluated: 2016-11-02. Review status: no assertion criteria provided. Collection method: clinical testing. Allele origin: unknown. Not counted in ClinVar's aggregate classification.

Literature cited by the submitters: PubMed 22970155 (cited by Quest Diagnostics Nichols Institute San Juan Capistrano and Counsyl).

NM_000059.4(BRCA2):c.2133C>T (p.Cys711=)

Gene: BRCA2 (BRCA2 DNA repair associated; plus strand). Cytogenetic location: 13q13.1.
Variant type: single nucleotide variant.
Coding change: c.2133C>T on transcript NM_000059.4 (MANE Select); coding-DNA position 2133, C replaced by T.
Protein change: p.Cys711=; no amino-acid change (cysteine 711 retained).
Molecular consequence: synonymous variant.
Genome position (GRCh38, 1-based): chr13:32,336,488, C>T. VCF-style: chr13-32336488-C-T. GRCh37 (hg19) VCF-style: chr13-32910625-C-T.
Identifiers: ClinVar variation 185999 (VCV000185999.30), dbSNP rs535547513, ClinGen allele CA014409.